The following is an entry in ClinVar:

NM_000925.4(PDHB):c.42+16C>T

Genes: PDHB (pyruvate dehydrogenase E1 subunit beta; minus strand), LOC129936949 (ATAC-STARR-seq lymphoblastoid active region 20012; plus strand). Cytogenetic location: 3p14.3.
Variant type: single nucleotide variant.
Coding change: c.42+16C>T on transcript NM_000925.4 (MANE Select); 16 bases into the intron after coding-DNA position 42, C replaced by T.
Molecular consequence: intron variant. On other transcripts: non-coding transcript variant (1).
Genome position (GRCh38, 1-based): chr3:58,433,752, G>A on the plus strand (C>T on the coding strand, the complement: PDHB is on the minus strand). VCF-style: chr3-58433752-G-A. GRCh37 (hg19) VCF-style: chr3-58419479-G-A.
Other names: c.42+16C>T (NM_001315536.2, NM_001173468.2).
Identifiers: ClinVar variation 378344 (VCV000378344.4), dbSNP rs764495667, ClinGen allele CA2471693.

ClinVar aggregate classification (germline): Likely benign. Review status: criteria provided, multiple submitters, no conflicts (2 of 4 stars). 2 submissions from 2 submitters: Likely benign (2). Last evaluated 2024-02-16.

Conditions:
Pyruvate dehydrogenase E1-beta deficiency (PDHBD). Identifiers: Orphanet 255138, Orphanet 765, MedGen C3279841, MONDO:0013580, OMIM 614111.

Allele frequency attached by ClinVar (database versions not stated): gnomAD 0.00001 and 0.00003; TOPMed 0.00001; gnomAD exomes 0.00004 and 0.00005; ExAC 0.00008.
gnomAD v4.1: 84 of 1,612,022 alleles (0.0052%); highest among the groups gnomAD compares: Middle Eastern, 0.099%; no homozygotes.

Submissions (2):

Labcorp Genetics (formerly Invitae), Labcorp
Classification: Likely benign for Pyruvate dehydrogenase E1-beta deficiency. Last evaluated: 2024-02-16. Review status: criteria provided, single submitter. Criteria: Invitae Variant Classification Sherloc (09022015). Collection method: clinical testing. Allele origin: germline.

GeneDx
Classification: Likely benign. Last evaluated: 2016-05-05. Review status: criteria provided, single submitter. Criteria: GeneDx Variant Classification (06012015). Collection method: clinical testing. Allele origin: germline. Affected: yes.
Comment: This variant is considered likely benign or benign based on one or more of the following criteria: it is a conservative change, it occurs at a poorly conserved position in the protein, it is predicted to be benign by multiple in silico algorithms, and/or has population frequency not consistent with disease.